The following is an entry in ClinVar:

ClinVar aggregate classification (germline): Uncertain significance (1 of 4 stars; one submission).

Allele frequency attached by ClinVar (database versions not stated): gnomAD exomes below 0.00001; gnomAD 0.00001.

Submission:

Labcorp Genetics (formerly Invitae), Labcorp
Classification: Uncertain significance. Last evaluated: 2024-01-03. Review status: criteria provided, single submitter. Criteria: Invitae Variant Classification Sherloc (09022015). Collection method: clinical testing. Allele origin: germline.
Comment: This sequence change replaces methionine, which is neutral and non-polar, with isoleucine, which is neutral and non-polar, at codon 155 of the IMPDH1 protein (p.Met155Ile). This variant is not present in population databases (gnomAD no frequency). This variant has not been reported in the literature in individuals affected with IMPDH1-related conditions. An algorithm developed to predict the effect of missense changes on protein structure and function (PolyPhen-2) suggests that this variant is likely to be disruptive. In summary, the available evidence is currently insufficient to determine the role of this variant in disease. Therefore, it has been classified as a Variant of Uncertain Significance.

NM_000883.4(IMPDH1):c.465G>A (p.Met155Ile)

Gene: IMPDH1 (inosine monophosphate dehydrogenase 1; minus strand). Cytogenetic location: 7q32.1.
Variant type: single nucleotide variant.
Coding change: c.465G>A on transcript NM_000883.4 (MANE Select); coding-DNA position 465, G replaced by A.
Protein change: p.Met155Ile; replaces methionine 155 with isoleucine.
Molecular consequence: missense variant.
Genome position (GRCh38, 1-based): chr7:128,401,054, C>T on the plus strand (G>A on the coding strand, the complement: IMPDH1 is on the minus strand). VCF-style: chr7-128401054-C-T. GRCh37 (hg19) VCF-style: chr7-128041108-C-T.
Other names: c.435G>A, p.Met145Ile (NM_001102605.2); c.210G>A, p.Met70Ile (NM_001142573.2, NM_001142574.2, NM_001142575.2); c.366G>A, p.Met122Ile (NM_001142576.2); c.258G>A, p.Met86Ile (NM_001304521.2); c.357G>A, p.Met119Ile (NM_183243.3); short protein forms M145I, M155I, M86I, M119I, M70I, M122I.
Identifiers: ClinVar variation 2796009 (VCV002796009.3), dbSNP rs2116669009, ClinGen allele CA369174451.
Genomic context (GRCh38, chr7:128,401,054, plus strand): 5'-CCATGCAGGTGTGTAACTCACAGCCATGGCAATGGCCATGTCAGCCTCTGTCACAGTGTC[C>T]ATGGGGGAGGAGATCAGTGGCGTCTTCAGCGTGATCTTCCGGGTCAGGGCTGAGGTCAGG-3'
Protein context (NP_000874.2, residues 145-165): TLKTPLISSP[Met155Ile]DTVTEADMAI